The following is an entry in ClinVar:

NM_024675.4(PALB2):c.1892C>G (p.Ser631Ter)

Gene: PALB2 (partner and localizer of BRCA2; minus strand). Cytogenetic location: 16p12.2.
Variant type: single nucleotide variant.
Coding change: c.1892C>G on transcript NM_024675.4 (MANE Select); coding-DNA position 1892, C replaced by G.
Protein change: p.Ser631Ter; replaces serine 631 with a stop codon.
Molecular consequence: nonsense. On other transcripts: intron variant (1).
Genome position (GRCh38, 1-based): chr16:23,630,262, G>C on the plus strand (C>G on the coding strand, the complement: PALB2 is on the minus strand). VCF-style: chr16-23630262-G-C. GRCh37 (hg19) VCF-style: chr16-23641583-G-C.
Other names: c.1832C>G, p.Ser611Ter (NM_001407296.1); c.1892C>G, p.Ser631Ter (NM_001407297.1, NM_001407298.1, NM_001407299.1 and 3 more transcripts); c.1007C>G, p.Ser336Ter (NM_001407304.1, NM_001407305.1, NM_001407306.1 and 5 more transcripts); c.104C>G, p.Ser35Ter (NM_001407312.1, NM_001407313.1); c.49-987C>G (NM_001407314.1); short protein forms S336*, S35*, S611*, S631*.
Identifiers: ClinVar variation 2673876 (VCV002673876.1), dbSNP rs2142386665, ClinGen allele CA395127611.
Genomic context (GRCh38, chr16:23,630,262, plus strand): 5'-CCCTCTTTAAGATGTCTCTCTCCAAACATTTTTGACTCAAAGGGCTCCACTGGTTTTTCT[G>C]AGCAGGACTTCACTTTTTCAAGCTTAAGAGGTCCAAAGTCTTCATCAGGTAACTGAAAGT-3'

ClinVar aggregate classification (germline): Pathogenic (1 of 4 stars; one submission).

Conditions:
Familial cancer of breast. Also called: Hereditary breast cancer; BREAST CANCER, FAMILIAL; hereditary breast carcinoma. Identifiers: Orphanet 227535, MedGen C0346153, MONDO:0016419, OMIM 114480. Disease mechanism: loss of function.

Submission:

Myriad Genetics, Inc.
Classification: Pathogenic for Familial cancer of breast. Last evaluated: 2023-09-12. Review status: criteria provided, single submitter. Criteria: Myriad Autosomal Dominant, Autosomal Recessive and X-Linked Classification Criteria (2023). Collection method: clinical testing. Allele origin: unknown.
Comment: This variant is considered pathogenic. This variant creates a termination codon and is predicted to result in premature protein truncation.